The following is an entry in ClinVar:

ClinVar aggregate classification (germline): Uncertain significance (1 of 4 stars; one submission).

Conditions:
Inborn genetic diseases. Identifiers: MedGen C0950123, MeSH D030342.

gnomAD v4.1: 2 of 1,611,400 alleles (0.00012%); no homozygotes.

Submission:

Ambry Genetics
Classification: Uncertain significance for Inborn genetic diseases. Last evaluated: 2026-07-31. Review status: criteria provided, single submitter. Criteria: Ambry Variant Classification Scheme 2023. Collection method: clinical testing. Allele origin: germline.
Comment: The c.43G>C (p.A15P) alteration is located in exon 2 (coding exon 1) of the KANSL1 gene. This alteration results from a G to C substitution at nucleotide position 43, causing the alanine (A) at amino acid position 15 to be replaced by a proline (P). Based on data from gnomAD, the C allele has an overall frequency of <0.001% (1/249120) total alleles studied. The highest observed frequency was <0.001% (/) of alleles. Based on insufficient or conflicting evidence, the clinical significance of this alteration remains unclear.

NM_015443.4(KANSL1):c.43G>C (p.Ala15Pro)

Gene: KANSL1 (KAT8 regulatory NSL complex subunit 1). Cytogenetic location: 17q21.31.
Variant type: single nucleotide variant.
Coding change: c.43G>C on transcript NM_015443.4 (MANE Select); coding-DNA position 43, G replaced by C.
Protein change: p.Ala15Pro; replaces alanine 15 with proline.
Molecular consequence: missense variant. On other transcripts: intron variant (4).
Genome position (GRCh38, 1-based): chr17:46,172,101, C>G on the plus strand (G>C on the coding strand, the complement: KANSL1 is on the minus strand). VCF-style: chr17-46172101-C-G. GRCh37 (hg19) VCF-style: chr17-44249467-C-G.
Other names: c.43G>C, p.Ala15Pro (NM_001193465.2, NM_001193466.2, NM_001379198.1 and 18 more transcripts); c.23+51570G>C (NM_001405885.1, NM_001405884.1, NM_001405883.1 and 1 more transcripts); short protein forms A15P.
Identifiers: ClinVar variation 3112660 (VCV003112660.2), dbSNP rs1395709730, ClinGen allele CA399983110.